The following is an entry in ClinVar:

ClinVar aggregate classification (germline): Benign. Review status: criteria provided, multiple submitters, no conflicts (2 of 4 stars). 9 submissions from 9 submitters: Benign (8). 1 of the submissions does not count toward it. Last evaluated 2026-05-08.

Conditions:
Ellis-van Creveld syndrome (EVC). Also called: Chondroectodermal dysplasia; MESOECTODERMAL DYSPLASIA. Identifiers: Orphanet 289, MedGen C0013903, MONDO:0009162, OMIM 225500.
Curry-Hall syndrome (WAD). Also called: WEYERS ACRODENTAL DYSOSTOSIS. Identifiers: Orphanet 952, MedGen C0457013, MONDO:0008673, OMIM 193530.

Allele frequency attached by ClinVar (database versions not stated): 1000 Genomes Project 30x 0.06824; 1000 Genomes Project 0.06949; TOPMed 0.09389; gnomAD 0.09998 and 0.10006; ESP Exome Variant Server 0.10926; ExAC 0.11526; gnomAD exomes 0.11538 and 0.13403.
gnomAD v4.1: 210,888 of 1,614,116 alleles (13%); highest among the groups gnomAD compares: Middle Eastern, 17%; 15,096 homozygotes.

Submissions (9):

Women's Health and Genetics/Laboratory Corporation of America, LabCorp
Classification: Benign. Last evaluated: 2026-05-08. Review status: criteria provided, single submitter. Criteria: LabCorp Variant Classification Summary - May 2015. Collection method: clinical testing. Allele origin: germline.

Labcorp Genetics (formerly Invitae), Labcorp
Classification: Benign for Curry-Hall syndrome; Ellis-van Creveld syndrome. Last evaluated: 2026-02-04. Review status: criteria provided, single submitter. Criteria: Invitae Variant Classification Sherloc (09022015). Collection method: clinical testing. Allele origin: germline.

Blueprint Genetics
Classification: Benign. Last evaluated: 2024-11-26. Review status: criteria provided, single submitter. Criteria: ACMG Guidelines, 2015. Collection method: clinical testing. Allele origin: germline.

Pars Genome Lab
Classification: Benign for Ellis-van Creveld syndrome. Last evaluated: 2021-06-15. Review status: criteria provided, single submitter. Criteria: ACMG Guidelines, 2015. Collection method: clinical testing. Allele origin: germline. Affected: no.

Illumina Laboratory Services, Illumina
Classification: Benign for Ellis-van Creveld syndrome. Last evaluated: 2018-01-12. Review status: criteria provided, single submitter. Criteria: ICSL Variant Classification Criteria 13 December 2019. Collection method: clinical testing. Allele origin: germline.
Comment: This variant was observed in the ICSL laboratory as part of a predisposition screen in an ostensibly healthy population. It had not been previously curated by ICSL or reported in the Human Gene Mutation Database (HGMD: prior to June 1st, 2018), and was therefore a candidate for classification through an automated scoring system. Utilizing variant allele frequency, disease prevalence and penetrance estimates, and inheritance mode, an automated score was calculated to assess if this variant is too frequent to cause the disease. Based on the score and internal cut-off values, a variant classified as benign is not then subjected to further curation. The score for this variant resulted in a classification of benign for this disease.

GeneDx
Classification: Benign. Last evaluated: 2016-04-14. Review status: criteria provided, single submitter. Criteria: GeneDx Variant Classification (06012015). Collection method: clinical testing. Allele origin: germline. Affected: yes.
Comment: This variant is considered likely benign or benign based on one or more of the following criteria: it is a conservative change, it occurs at a poorly conserved position in the protein, it is predicted to be benign by multiple in silico algorithms, and/or has population frequency not consistent with disease.

Breakthrough Genomics
Classification: Benign. Review status: criteria provided, single submitter. Criteria: ACMG Guidelines, 2015. Collection method: not provided. Allele origin: germline. Inheritance: Autosomal recessive inheritance. Affected: yes.

PreventionGenetics, part of Exact Sciences
Classification: Benign. Review status: criteria provided, single submitter. Criteria: ACMG Guidelines, 2015. Collection method: clinical testing. Allele origin: germline.

Natera, Inc.
Classification: Benign for Ellis-van Creveld syndrome. Last evaluated: 2020-09-16. Review status: no assertion criteria provided. Collection method: clinical testing. Allele origin: germline. Not counted in ClinVar's aggregate classification.

NM_153717.3(EVC):c.249A>G (p.Ser83=)

Gene: EVC (EvC ciliary complex subunit 1; plus strand). Cytogenetic location: 4p16.2.
Variant type: single nucleotide variant.
Coding change: c.249A>G on transcript NM_153717.3 (MANE Select); coding-DNA position 249, A replaced by G.
Protein change: p.Ser83=; no amino-acid change (serine 83 retained).
Molecular consequence: synonymous variant.
Genome position (GRCh38, 1-based): chr4:5,719,322, A>G. VCF-style: chr4-5719322-A-G. GRCh37 (hg19) VCF-style: chr4-5721049-A-G.
Other names: c.249A>G, p.Ser83= (NM_001306090.2, NM_001306092.2).
Identifiers: ClinVar variation 262776 (VCV000262776.21), dbSNP rs35870680, ClinGen allele CA2835612.